The following is an entry in ClinVar:

NM_005120.3(MED12):c.5593A>G (p.Met1865Val)

Gene: MED12 (mediator complex subunit 12; plus strand). Cytogenetic location: Xq13.1.
Variant type: single nucleotide variant.
Coding change: c.5593A>G on transcript NM_005120.3 (MANE Select); coding-DNA position 5593, A replaced by G.
Protein change: p.Met1865Val; replaces methionine 1865 with valine.
Molecular consequence: missense variant.
Genome position (GRCh38, 1-based): chrX:71,137,228, A>G. VCF-style: chrX-71137228-A-G. GRCh37 (hg19) VCF-style: chrX-70357078-A-G.
Other names: short protein forms M1865V.
Identifiers: ClinVar variation 134637 (VCV000134637.13), dbSNP rs587778438, ClinGen allele CA160391.

ClinVar aggregate classification (germline): Benign/Likely benign. Review status: criteria provided, multiple submitters, no conflicts (2 of 4 stars). 4 submissions from 4 submitters: Benign (1); Likely benign (2). 1 of the submissions does not count toward it. Last evaluated 2026-01-26.

Conditions:
FG syndrome (FGS). Identifiers: MedGen C0220769, MONDO:0002010.
Familial thoracic aortic aneurysm and aortic dissection (TAAD). Also called: Thoracic aortic aneurysms and dissections. Identifiers: Orphanet 91387, MedGen C4707243, MONDO:0019625.

Allele frequency attached by ClinVar (database versions not stated): gnomAD exomes 0.00001 and 0.00004; gnomAD 0.00006 and 0.00007; TOPMed 0.00008.

Submissions (4):

Labcorp Genetics (formerly Invitae), Labcorp
Classification: Benign for FG syndrome. Last evaluated: 2026-01-26. Review status: criteria provided, single submitter. Criteria: Invitae Variant Classification Sherloc (09022015). Collection method: clinical testing. Allele origin: germline.

Ambry Genetics
Classification: Likely benign for Familial thoracic aortic aneurysm and aortic dissection. Last evaluated: 2024-03-18. Review status: criteria provided, single submitter. Criteria: Ambry Variant Classification Scheme 2023. Collection method: clinical testing. Allele origin: germline.

GeneDx
Classification: Likely benign. Last evaluated: 2021-02-02. Review status: criteria provided, single submitter. Criteria: GeneDx Variant Classification Process June 2021. Collection method: clinical testing. Allele origin: germline. Affected: yes.

ITMI
No classification provided. Condition: AllHighlyPenetrant. Last evaluated: 2013-09-19. Review status: no classification provided. Collection method: reference population. Allele origin: germline. Not counted in ClinVar's aggregate classification.
Comment: Please see associated publication for description of ethnicities

Literature cited by the submitters: PubMed 24728327 (cited by ITMI).